The following is an entry in ClinVar:

ClinVar aggregate classification (germline): Conflicting classifications of pathogenicity. Review status: criteria provided, conflicting classifications (1 of 4 stars). 2 submissions from 2 submitters: Uncertain significance (1); Likely benign (1). Last evaluated 2024-02-19.

Conditions:
BAP1-related tumor predisposition syndrome (TPDS1). Also called: Tumor susceptibility linked to germline BAP1 mutations; BAP1 tumor predisposition syndrome; COMMON Syndrome; TUMOR PREDISPOSITION SYNDROME 1. Identifiers: Orphanet 289539, MedGen C3280492, MONDO:0013692, OMIM 614327.

Submissions (2):

Labcorp Genetics (formerly Invitae), Labcorp
Classification: Likely benign for BAP1-related tumor predisposition syndrome. Last evaluated: 2024-02-19. Review status: criteria provided, single submitter. Criteria: Invitae Variant Classification Sherloc (09022015). Collection method: clinical testing. Allele origin: germline.

GeneDx
Classification: Uncertain significance. Last evaluated: 2019-04-23. Review status: criteria provided, single submitter. Criteria: GeneDx Variant Classification Process June 2021. Collection method: clinical testing. Allele origin: germline. Affected: yes.
Comment: Has not been previously published as pathogenic or benign to our knowledge; In-silico analysis, which includes splice predictors and evolutionary conservation, is inconclusive as to whether the variant alters gene splicing. In the absence of RNA/functional studies, the actual effect of this sequence change is unknown.

NM_004656.4(BAP1):c.376-7C>G

Gene: BAP1 (BRCA1 associated deubiquitinase 1; minus strand). Cytogenetic location: 3p21.1.
Variant type: single nucleotide variant.
Coding change: c.376-7C>G on transcript NM_004656.4 (MANE Select); 7 bases into the intron before coding-DNA position 376, C replaced by G.
Molecular consequence: intron variant.
Genome position (GRCh38, 1-based): chr3:52,407,467, G>C on the plus strand (C>G on the coding strand, the complement: BAP1 is on the minus strand). VCF-style: chr3-52407467-G-C. GRCh37 (hg19) VCF-style: chr3-52441483-G-C.
Identifiers: ClinVar variation 1050989 (VCV001050989.7), dbSNP rs2153227983, ClinGen allele CA2499216952.
Genomic context (GRCh38, chr3:52,407,467, plus strand): 5'-GCTATTATGGGCCTTGGCCAACTCCGGGGCATTGCCAATCGCATATCCTTTGCTCTACGG[G>C]GAAGAAAATAAGGCCGTATCAGAATAATTTCTCCTCAGGTAGGACTATGGGTGGAAGGCA-3'